The following is an entry in ClinVar:

NM_000051.4(ATM):c.3152A>G (p.Glu1051Gly)

Gene: ATM (ATM serine/threonine kinase; plus strand). Cytogenetic location: 11q22.3.
Variant type: single nucleotide variant.
Coding change: c.3152A>G on transcript NM_000051.4 (MANE Select); coding-DNA position 3152, A replaced by G.
Protein change: p.Glu1051Gly; replaces glutamic acid 1051 with glycine.
Molecular consequence: missense variant.
Genome position (GRCh38, 1-based): chr11:108,272,606, A>G. VCF-style: chr11-108272606-A-G. GRCh37 (hg19) VCF-style: chr11-108143333-A-G.
Other names: c.3152A>G, p.Glu1051Gly (NM_001351834.2); short protein forms E1051G.
Identifiers: ClinVar variation 231545 (VCV000231545.15), dbSNP rs876659217, ClinGen allele CA10579086.

ClinVar aggregate classification (germline): Uncertain significance. Review status: criteria provided, multiple submitters, no conflicts (2 of 4 stars). 2 submissions from 2 submitters: Uncertain significance (2). Last evaluated 2025-02-27.

Conditions:
Hereditary cancer-predisposing syndrome. Also called: Hereditary Cancer Syndrome; Neoplastic Syndromes, Hereditary; Tumor predisposition; Hereditary neoplastic syndrome. Identifiers: Orphanet 140162, MedGen C0027672, MeSH D009386, MONDO:0015356.
Ataxia-telangiectasia syndrome (AT). Also called: Ataxia telangiectasia (A-T); Ataxia-telangiectasia, complementation group E; LOUIS-BAR SYNDROME; Cerebello-oculocutaneous telangiectasia; Immunodeficiency with ataxia telangiectasia; Ataxia-telangiectasia, complementation group D. Identifiers: Orphanet 100, MedGen C0004135, MONDO:0008840, OMIM 208900.

gnomAD v4.1: 1 of 1,613,652 alleles (0.000062%); highest among the groups gnomAD compares: Non-Finnish European, 0.000085%; no homozygotes.

Submissions (2):

Labcorp Genetics (formerly Invitae), Labcorp
Classification: Uncertain significance for Ataxia-telangiectasia syndrome. Last evaluated: 2025-02-27. Review status: criteria provided, single submitter. Criteria: Invitae Variant Classification Sherloc (09022015). Collection method: clinical testing. Allele origin: germline.
Comment: This sequence change replaces glutamic acid, which is acidic and polar, with glycine, which is neutral and non-polar, at codon 1051 of the ATM protein (p.Glu1051Gly). This variant is not present in population databases (gnomAD no frequency). This variant has not been reported in the literature in individuals affected with ATM-related conditions. ClinVar contains an entry for this variant (Variation ID: 231545). An algorithm developed to predict the effect of missense changes on protein structure and function (PolyPhen-2) suggests that this variant is likely to be disruptive. Studies have shown that this missense change is associated with inconclusive levels of altered splicing (internal data). In summary, the available evidence is currently insufficient to determine the role of this variant in disease. Therefore, it has been classified as a Variant of Uncertain Significance.

Ambry Genetics
Classification: Uncertain significance for Hereditary cancer-predisposing syndrome. Last evaluated: 2024-01-16. Review status: criteria provided, single submitter. Criteria: Ambry Variant Classification Scheme 2023. Collection method: clinical testing. Allele origin: germline.
Comment: The p.E1051G variant (also known as c.3152A>G), located in coding exon 20 of the ATM gene, results from an A to G substitution at nucleotide position 3152. The glutamic acid at codon 1051 is replaced by glycine, an amino acid with similar properties. This amino acid position is highly conserved in available vertebrate species. In addition, the in silico prediction for this alteration is inconclusive. Since supporting evidence is limited at this time, the clinical significance of this alteration remains unclear.